The following is an entry in ClinVar:

ClinVar aggregate classification (germline): Uncertain significance. Review status: criteria provided, multiple submitters, no conflicts (2 of 4 stars). 2 submissions from 2 submitters: Uncertain significance (2). Last evaluated 2025-10-01.

Conditions:
Hypertrophic cardiomyopathy 14. Identifiers: MedGen C2750467, MONDO:0013197, OMIM 613251.
Cardiovascular phenotype. Identifiers: MedGen CN230736.

Allele frequency attached by ClinVar (database versions not stated): ExAC 0.00002; gnomAD exomes 0.00002; TOPMed 0.00005; ESP Exome Variant Server 0.00031.
gnomAD v4.1: 43 of 1,614,232 alleles (0.0027%); highest among the groups gnomAD compares: Middle Eastern, 0.016%; no homozygotes.

Submissions (2):

Labcorp Genetics (formerly Invitae), Labcorp
Classification: Uncertain significance for Hypertrophic cardiomyopathy 14. Last evaluated: 2025-10-01. Review status: criteria provided, single submitter. Criteria: Invitae Variant Classification Sherloc (09022015). Collection method: clinical testing. Allele origin: germline.
Comment: This sequence change replaces aspartic acid, which is acidic and polar, with asparagine, which is neutral and polar, at codon 1668 of the MYH6 protein (p.Asp1668Asn). This variant is present in population databases (rs200884672, gnomAD 0.004%). This variant has not been reported in the literature in individuals affected with MYH6-related conditions. ClinVar contains an entry for this variant (Variation ID: 952664). Invitae Evidence Modeling of protein sequence and biophysical properties (such as structural, functional, and spatial information, amino acid conservation, physicochemical variation, residue mobility, and thermodynamic stability) indicates that this missense variant is not expected to disrupt MYH6 protein function with a negative predictive value of 80%. In summary, the available evidence is currently insufficient to determine the role of this variant in disease. Therefore, it has been classified as a Variant of Uncertain Significance.

Ambry Genetics
Classification: Uncertain significance for Cardiovascular phenotype. Last evaluated: 2025-09-28. Review status: criteria provided, single submitter. Criteria: Ambry Variant Classification Scheme 2023. Collection method: clinical testing. Allele origin: germline.
Comment: The p.D1668N variant (also known as c.5002G>A), located in coding exon 32 of the MYH6 gene, results from a G to A substitution at nucleotide position 5002. The aspartic acid at codon 1668 is replaced by asparagine, an amino acid with highly similar properties. This alteration has been reported in a dilated cardiomyopathy (DCM) cohort; however, clinical details were limited (Mazzarotto F et al. Circulation, 2020 Feb;141:387-398). This amino acid position is highly conserved in available vertebrate species. In addition, this alteration is predicted to be tolerated by in silico analysis. Since supporting evidence is limited at this time, the clinical significance of this alteration remains unclear.

Literature cited by the submitters: PubMed 31983221 (cited by Ambry Genetics).

NM_002471.4(MYH6):c.5002G>A (p.Asp1668Asn)

Genes: MYH6 (myosin heavy chain 6; minus strand), LOC126861896 (BRD4-independent group 4 enhancer GRCh37_chr14:23854904-23856103; plus strand). Cytogenetic location: 14q11.2.
Variant type: single nucleotide variant.
Coding change: c.5002G>A on transcript NM_002471.4 (MANE Select); coding-DNA position 5002, G replaced by A.
Protein change: p.Asp1668Asn; replaces aspartic acid 1668 with asparagine.
Molecular consequence: missense variant.
Genome position (GRCh38, 1-based): chr14:23,386,089, C>T on the plus strand (G>A on the coding strand, the complement: MYH6 is on the minus strand). VCF-style: chr14-23386089-C-T. GRCh37 (hg19) VCF-style: chr14-23855298-C-T.
Other names: short protein forms D1668N.
Identifiers: ClinVar variation 952664 (VCV000952664.13), dbSNP rs200884672, ClinGen allele CA7114572.